The following is an entry in ClinVar:

NM_032776.3(JMJD1C):c.483C>A (p.Asp161Glu)

Gene: JMJD1C (jumonji domain containing 1C; minus strand). Cytogenetic location: 10q21.3.
Variant type: single nucleotide variant.
Coding change: c.483C>A on transcript NM_032776.3 (MANE Select); coding-DNA position 483, C replaced by A.
Protein change: p.Asp161Glu; replaces aspartic acid 161 with glutamic acid.
Molecular consequence: missense variant. On other transcripts: 5 prime UTR variant (3), intron variant (2).
Genome position (GRCh38, 1-based): chr10:63,219,948, G>T on the plus strand (C>A on the coding strand, the complement: JMJD1C is on the minus strand). VCF-style: chr10-63219948-G-T. GRCh37 (hg19) VCF-style: chr10-64979708-G-T.
Other names: c.-64C>A (NM_001282948.2, NM_001318154.2); c.-386C>A (NM_001318153.2); c.369C>A, p.Asp123Glu (NM_001322252.2); c.-104-2617C>A (NM_001322258.2, NM_001322254.2); short protein forms D123E, D161E.
Identifiers: ClinVar variation 947577 (VCV000947577.9), dbSNP rs952045291, ClinGen allele CA377054123.
Genomic context (GRCh38, chr10:63,219,948, plus strand): 5'-AATCTCCTGAACCTTTTGTTCCTTTACCCAGACTTTCACTTCCTCATGAAGCTGCGGGTT[G>T]TCCCTGAGAACTGGGTTTAGGCTGTCTATGTCGTCCTAGAATTATAGATTAAAAGAAAGG-3'
Protein context (NP_116165.1, residues 151-171): DIDSLNPVLR[Asp161Glu]NPQLHEEVKV

ClinVar aggregate classification (germline): Uncertain significance (1 of 4 stars; one submission).

Conditions:
Early Myoclonic Encephalopathy. Identifiers: MedGen C0270855.

Submission:

Labcorp Genetics (formerly Invitae), Labcorp
Classification: Uncertain significance for Early Myoclonic Encephalopathy. Last evaluated: 2019-05-30. Review status: criteria provided, single submitter. Criteria: Invitae Variant Classification Sherloc (09022015). Collection method: clinical testing. Allele origin: germline.
Comment: This sequence change replaces aspartic acid with glutamic acid at codon 161 of the JMJD1C protein (p.Asp161Glu). The aspartic acid residue is moderately conserved and there is a small physicochemical difference between aspartic acid and glutamic acid. This variant is not present in population databases (ExAC no frequency). This variant has not been reported in the literature in individuals with JMJD1C-related conditions. Algorithms developed to predict the effect of missense changes on protein structure and function are either unavailable or do not agree on the potential impact of this missense change (SIFT: "Deleterious"; PolyPhen-2: "Probably Damaging"; Align-GVGD: "Class C0"). In summary, the available evidence is currently insufficient to determine the role of this variant in disease. Therefore, it has been classified as a Variant of Uncertain Significance.